The following is an entry in ClinVar:

NM_001018115.3(FANCD2):c.3869T>C (p.Val1290Ala)

Genes: FANCD2 (FA complementation group D2; plus strand), FANCD2OS (FANCD2 opposite strand; minus strand). Cytogenetic location: 3p25.3.
Variant type: single nucleotide variant.
Coding change: c.3869T>C on transcript NM_001018115.3 (MANE Select); coding-DNA position 3869, T replaced by C.
Protein change: p.Val1290Ala; replaces valine 1290 with alanine.
Molecular consequence: missense variant. On other transcripts: intron variant (2).
Genome position (GRCh38, 1-based): chr3:10,093,304, T>C. VCF-style: chr3-10093304-T-C. GRCh37 (hg19) VCF-style: chr3-10134988-T-C.
Other names: c.3869T>C, p.Val1290Ala (NM_001319984.2, NM_033084.6); c.3758T>C, p.Val1253Ala (NM_001374253.1); c.3850-985T>C (NM_001374254.1); c.*43+10894A>G (NM_173472.2); short protein forms V1253A, V1290A.
Identifiers: ClinVar variation 1497509 (VCV001497509.8), dbSNP rs2125088623, ClinGen allele CA351756321.
Genomic context (GRCh38, chr3:10,093,304, plus strand): 5'-AGCAGATCTCAGCCTTGGTTTCTTGTCTTTCACCTCTCCAGGTATTTGATAGTCATCCTG[T>C]TCTGCATGTATGTTTGAAGGTGAGAGATTTACTGGGCCCTGTTTCATATTTATTCTTCCT-3'
Protein context (NP_001018125.1, residues 1280-1300): NLIKVFDSHP[Val1290Ala]LHVCLKYGRL

ClinVar aggregate classification (germline): Uncertain significance (1 of 4 stars; one submission).

Conditions:
Fanconi anemia (FA). Also called: Fanconi's anemia. Identifiers: Orphanet 84, MedGen C0015625, MeSH D005199, MONDO:0019391.

Submission:

Labcorp Genetics (formerly Invitae), Labcorp
Classification: Uncertain significance for Fanconi anemia. Last evaluated: 2021-04-14. Review status: criteria provided, single submitter. Criteria: Invitae Variant Classification Sherloc (09022015). Collection method: clinical testing. Allele origin: germline.
Comment: This sequence change replaces valine with alanine at codon 1290 of the FANCD2 protein (p.Val1290Ala). The valine residue is highly conserved and there is a small physicochemical difference between valine and alanine. This variant is not present in population databases (ExAC no frequency). This variant has not been reported in the literature in individuals with FANCD2-related conditions. Algorithms developed to predict the effect of missense changes on protein structure and function are either unavailable or do not agree on the potential impact of this missense change (SIFT: "Tolerated"; PolyPhen-2: "Possibly Damaging"; Align-GVGD: "Class C0"). In summary, the available evidence is currently insufficient to determine the role of this variant in disease. Therefore, it has been classified as a Variant of Uncertain Significance.